The following is an entry in ClinVar:

ClinVar aggregate classification (germline): Uncertain significance. Review status: criteria provided, multiple submitters, no conflicts (2 of 4 stars). 2 submissions from 2 submitters: Uncertain significance (2). Last evaluated 2024-10-20.

Conditions:
Congenital myasthenic syndrome 4A. Also called: Myasthenic syndrome, congenital, 4a, slow-channel; MYASTHENIC SYNDROME, CONGENITAL, 4A, SLOW-CHANNEL, AUTOSOMAL RECESSIVE; CONGENITAL MYASTHENIC SYNDROME TYPE Ia1. Identifiers: Orphanet 590, MedGen C4225413, MONDO:0011600, OMIM 605809.
Inborn genetic diseases. Identifiers: MedGen C0950123, MeSH D030342.

Allele frequency attached by ClinVar (database versions not stated): gnomAD exomes below 0.00001; gnomAD 0.00001; ExAC 0.00002; ESP Exome Variant Server 0.00008.
gnomAD v4.1: 6 of 1,611,580 alleles (0.00037%); highest among the groups gnomAD compares: Middle Eastern, 0.016%; no homozygotes.

Submissions (2):

Ambry Genetics
Classification: Uncertain significance for Inborn genetic diseases. Last evaluated: 2024-10-20. Review status: criteria provided, single submitter. Criteria: Ambry Variant Classification Scheme 2023. Collection method: clinical testing. Allele origin: germline.

Labcorp Genetics (formerly Invitae), Labcorp
Classification: Uncertain significance for Congenital myasthenic syndrome 4A. Last evaluated: 2022-08-16. Review status: criteria provided, single submitter. Criteria: Invitae Variant Classification Sherloc (09022015). Collection method: clinical testing. Allele origin: germline.
Comment: This sequence change replaces histidine, which is basic and polar, with proline, which is neutral and non-polar, at codon 218 of the CHRNE protein (p.His218Pro). This variant is present in population databases (rs376001778, gnomAD 0.003%). This variant has not been reported in the literature in individuals affected with CHRNE-related conditions. Advanced modeling of protein sequence and biophysical properties (such as structural, functional, and spatial information, amino acid conservation, physicochemical variation, residue mobility, and thermodynamic stability) performed at Invitae indicates that this missense variant is not expected to disrupt CHRNE protein function. In summary, the available evidence is currently insufficient to determine the role of this variant in disease. Therefore, it has been classified as a Variant of Uncertain Significance.

NM_000080.4(CHRNE):c.653A>C (p.His218Pro)

Genes: C17orf107 (chromosome 17 open reading frame 107; plus strand), CHRNE (cholinergic receptor nicotinic epsilon subunit; minus strand). Cytogenetic location: 17p13.2.
Variant type: single nucleotide variant.
Coding change: c.653A>C on transcript NM_000080.4 (MANE Select); coding-DNA position 653, A replaced by C.
Protein change: p.His218Pro; replaces histidine 218 with proline.
Molecular consequence: missense variant. On other transcripts: 3 prime UTR variant (1).
Genome position (GRCh38, 1-based): chr17:4,901,139, T>G on the plus strand (A>C on the coding strand, the complement: CHRNE is on the minus strand). VCF-style: chr17-4901139-T-G. GRCh37 (hg19) VCF-style: chr17-4804434-T-G.
Other names: c.*606T>G (NM_001145536.2); c.653A>C (NM_000080.3); short protein forms H218P.
Identifiers: ClinVar variation 2045272 (VCV002045272.2), dbSNP rs376001778, ClinGen allele CA8314296.